The following is an entry in ClinVar:

ClinVar aggregate classification (germline): Uncertain significance (1 of 4 stars; one submission).

Conditions:
Methylcobalamin deficiency type cblG (HMAG). Also called: HOMOCYSTINURIA-MEGALOBLASTIC ANEMIA, cblG COMPLEMENTATION TYPE; Functional methionine synthase deficiency type cblG; HOMOCYSTINURIA-MEGALOBLASTIC ANEMIA, cblG TYPE; HOMOCYSTINURIA-MEGALOBLASTIC ANEMIA DUE TO DEFECT IN COBALAMIN METABOLISM, cblG COMPLEMENTATION TYPE. Identifiers: Orphanet 2170, Orphanet 622, MedGen C1855128, MONDO:0009609, OMIM 250940.

Submission:

Labcorp Genetics (formerly Invitae), Labcorp
Classification: Uncertain significance for Methylcobalamin deficiency type cblG. Last evaluated: 2021-12-02. Review status: criteria provided, single submitter. Criteria: Invitae Variant Classification Sherloc (09022015). Collection method: clinical testing. Allele origin: germline.
Comment: This variant results in a copy number gain of the genomic region encompassing exon(s) 32-33 of the MTR gene. This region includes the termination codon of the gene. This copy number gain extends beyond the assayed region for this gene and therefore may encompass additional genes. As the precise location of this event is unknown, it may be in tandem or it may be located elsewhere in the genome. This variant has not been reported in the literature in individuals affected with MTR-related conditions. Experimental studies and prediction algorithms are not available or were not evaluated, and the functional significance of this variant is currently unknown. In summary, the available evidence is currently insufficient to determine the role of this variant in disease. Therefore, it has been classified as a Variant of Uncertain Significance.

NC_000001.10:g.(?_237060286)_(237060944_?)dup

Gene: MTR (5-methyltetrahydrofolate-homocysteine methyltransferase; plus strand). Cytogenetic location: 1q43.
Variant type: Duplication.
Identifiers: ClinVar variation 1442072 (VCV001442072.4).